The following is an entry in ClinVar:

NM_000274.4(OAT):c.901-22T>C

Gene: OAT (ornithine aminotransferase; minus strand). Cytogenetic location: 10q26.13.
Variant type: single nucleotide variant.
Coding change: c.901-22T>C on transcript NM_000274.4 (MANE Select); 22 bases into the intron before coding-DNA position 901, T replaced by C.
Molecular consequence: intron variant.
Genome position (GRCh38, 1-based): chr10:124,401,861, A>G on the plus strand (T>C on the coding strand, the complement: OAT is on the minus strand). VCF-style: chr10-124401861-A-G. GRCh37 (hg19) VCF-style: chr10-126090430-A-G.
Other names: p.?; c.901-22T>C (NM_001322965.2, NM_001322969.2, NM_001322966.2 and 3 more transcripts); c.487-22T>C (NM_001171814.2); c.301-22T>C (NM_001322974.2); c.580-22T>C (NM_001322971.2).
Identifiers: ClinVar variation 672118 (VCV000672118.6), dbSNP rs17619406, ClinGen allele CA5733380.

ClinVar aggregate classification (germline): Benign. Review status: criteria provided, multiple submitters, no conflicts (2 of 4 stars). 4 submissions from 4 submitters: Benign (4). Last evaluated 2021-10-17.

Conditions:
Ornithine aminotransferase deficiency (GACR). Also called: HYPERORNITHINEMIA WITH GYRATE ATROPHY OF CHOROID AND RETINA; OAT DEFICIENCY; OKT DEFICIENCY; Ornithine ketoacid aminotransferase deficiency; Gyrate atrophy; Gyrate atrophy of choroid and retina. Identifiers: Orphanet 414, MedGen C0018425, MONDO:0009796, OMIM 258870.

Allele frequency attached by ClinVar (database versions not stated): TOPMed 0.13889; gnomAD 0.15809 and 0.15574; gnomAD exomes 0.16488 and 0.20343; 1000 Genomes Project 30x 0.08104; ESP Exome Variant Server 0.16369; 1000 Genomes Project 0.08187; ExAC 0.17267.
gnomAD v4.1: 306,001 of 1,546,538 alleles (20%); highest among the groups gnomAD compares: Non-Finnish European, 23%; 33,573 homozygotes.

Submissions (4):

Mayo Clinic Laboratories, Mayo Clinic
Classification: Benign. Last evaluated: 2021-10-17. Review status: criteria provided, single submitter. Criteria: ACMG Guidelines, 2015. Collection method: clinical testing. Allele origin: germline. Observed: 29 variant alleles.

Genome-Nilou Lab
Classification: Benign for Ornithine aminotransferase deficiency. Last evaluated: 2021-07-10. Review status: criteria provided, single submitter. Criteria: ACMG Guidelines, 2015. Collection method: clinical testing. Allele origin: germline. Affected: no.

GeneDx
Classification: Benign. Last evaluated: 2018-06-19. Review status: criteria provided, single submitter. Criteria: GeneDx Variant Classification (06012015). Collection method: clinical testing. Allele origin: germline. Affected: yes.
Comment: This variant is considered likely benign or benign based on one or more of the following criteria: it is a conservative change, it occurs at a poorly conserved position in the protein, it is predicted to be benign by multiple in silico algorithms, and/or has population frequency not consistent with disease.

Breakthrough Genomics
Classification: Benign. Review status: criteria provided, single submitter. Criteria: ACMG Guidelines, 2015. Collection method: not provided. Allele origin: germline. Inheritance: Autosomal recessive inheritance. Affected: yes.